The following is an entry in ClinVar:

ClinVar aggregate classification (germline): Likely benign. Review status: criteria provided, multiple submitters, no conflicts (2 of 4 stars). 2 submissions from 2 submitters: Likely benign (2). Last evaluated 2025-12-23.

Allele frequency attached by ClinVar (database versions not stated): TOPMed 0.00004; ExAC 0.00003; gnomAD 0.00004; gnomAD exomes 0.00006 and 0.00010.
gnomAD v4.1: 160 of 1,613,102 alleles (0.0099%); highest among the groups gnomAD compares: Non-Finnish European, 0.013%; 1 homozygote.

Submissions (2):

Labcorp Genetics (formerly Invitae), Labcorp
Classification: Likely benign. Last evaluated: 2025-12-23. Review status: criteria provided, single submitter. Criteria: Invitae Variant Classification Sherloc (09022015). Collection method: clinical testing. Allele origin: germline.

Laboratory for Molecular Medicine, Mass General Brigham Personalized Medicine
Classification: Likely benign. Last evaluated: 2017-08-23. Review status: criteria provided, single submitter. Criteria: LMM Criteria. Collection method: clinical testing. Allele origin: germline. Observed: 1 variant allele.
Comment: p.Val215Val in exon 8 of OTOA: This variant is not expected to have clinical sig nificance because it does not alter an amino acid residue and is not located wit hin the splice consensus sequence. It has been identified in 1/11302 Latino chro mosomes by the Exome Aggregation Consortium (ExAC, g; dbSNP rs759683702).

NM_144672.4(OTOA):c.645G>A (p.Val215=)

Gene: OTOA (otoancorin). Cytogenetic location: 16p12.2.
Variant type: single nucleotide variant.
Coding change: c.645G>A on transcript NM_144672.4 (MANE Select); coding-DNA position 645, G replaced by A.
Protein change: p.Val215=; no amino-acid change (valine 215 retained).
Molecular consequence: synonymous variant.
Genome position (GRCh38, 1-based): chr16:21,691,593, G>A. VCF-style: chr16-21691593-G-A. GRCh37 (hg19) VCF-style: chr16-21702914-G-A.
Other names: c.408G>A, p.Val136= (NM_001161683.2).
Identifiers: ClinVar variation 667139 (VCV000667139.7), dbSNP rs759683702, ClinGen allele CA7952373.